The following is an entry in ClinVar:

NM_033087.4(ALG2):c.162C>A (p.Tyr54Ter)

Gene: ALG2 (ALG2 alpha-1,3/1,6-mannosyltransferase; minus strand). Cytogenetic location: 9q22.33.
Variant type: single nucleotide variant.
Coding change: c.162C>A on transcript NM_033087.4 (MANE Select); coding-DNA position 162, C replaced by A.
Protein change: p.Tyr54Ter; replaces tyrosine 54 with a stop codon.
Molecular consequence: nonsense. On other transcripts: non-coding transcript variant (1).
Genome position (GRCh38, 1-based): chr9:99,221,733, G>T on the plus strand (C>A on the coding strand, the complement: ALG2 is on the minus strand). VCF-style: chr9-99221733-G-T. GRCh37 (hg19) VCF-style: chr9-101984015-G-T.
Other names: short protein forms Y54*.
Identifiers: ClinVar variation 1437220 (VCV001437220.6), dbSNP rs748281785, ClinGen allele CA374232147.

ClinVar aggregate classification (germline): Uncertain significance (1 of 4 stars; one submission).

Conditions:
Congenital disorder of glycosylation, type Ii. Also called: ALG2-congenital disorder of glycosylation; ALG2-CDG; CDG Ii. Identifiers: Orphanet 79326, MedGen C1842836, MONDO:0011933, OMIM 607906.
Congenital myasthenic syndrome 14. Also called: Myasthenic syndrome, congenital, 14, with tubular aggregates. Identifiers: Orphanet 353327, Orphanet 590, MedGen C4015597, MONDO:0014543, OMIM 616228.

gnomAD v4.1: 2 of 1,598,524 alleles (0.00013%); highest among the groups gnomAD compares: African/African-American, 0.0013%; no homozygotes.

Submission:

Labcorp Genetics (formerly Invitae), Labcorp
Classification: Uncertain significance for Congenital disorder of glycosylation, type Ii; Congenital myasthenic syndrome 14. Last evaluated: 2024-02-24. Review status: criteria provided, single submitter. Criteria: Invitae Variant Classification Sherloc (09022015). Collection method: clinical testing. Allele origin: germline.
Comment: This sequence change creates a premature translational stop signal (p.Tyr54*) in the ALG2 gene. It is expected to result in an absent or disrupted protein product. However, the current clinical and genetic evidence is not sufficient to establish whether loss-of-function variants in ALG2 cause disease. This variant is not present in population databases (gnomAD no frequency). This variant has not been reported in the literature in individuals affected with ALG2-related conditions. ClinVar contains an entry for this variant (Variation ID: 1437220). In summary, the available evidence is currently insufficient to determine the role of this variant in disease. Therefore, it has been classified as a Variant of Uncertain Significance.